The following is an entry in ClinVar:

ClinVar aggregate classification (germline): Uncertain significance (1 of 4 stars; one submission).

Submission:

Labcorp Genetics (formerly Invitae), Labcorp
Classification: Uncertain significance. Last evaluated: 2024-09-23. Review status: criteria provided, single submitter. Criteria: Invitae Variant Classification Sherloc (09022015). Collection method: clinical testing. Allele origin: germline.
Comment: This sequence change replaces threonine, which is neutral and polar, with alanine, which is neutral and non-polar, at codon 298 of the ZNF341 protein (p.Thr298Ala). This variant is not present in population databases (gnomAD no frequency). This variant has not been reported in the literature in individuals affected with ZNF341-related conditions. An algorithm developed to predict the effect of missense changes on protein structure and function outputs the following: PolyPhen-2: "Benign". The alanine amino acid residue is found in multiple mammalian species, which suggests that this missense change does not adversely affect protein function. In summary, the available evidence is currently insufficient to determine the role of this variant in disease. Therefore, it has been classified as a Variant of Uncertain Significance.

NM_001282933.2(ZNF341):c.892A>G (p.Thr298Ala)

Gene: ZNF341 (zinc finger protein 341; plus strand). Cytogenetic location: 20q11.22.
Variant type: single nucleotide variant.
Coding change: c.892A>G on transcript NM_001282933.2 (MANE Select); coding-DNA position 892, A replaced by G.
Protein change: p.Thr298Ala; replaces threonine 298 with alanine.
Molecular consequence: missense variant. On other transcripts: non-coding transcript variant (1).
Genome position (GRCh38, 1-based): chr20:33,757,298, A>G. VCF-style: chr20-33757298-A-G. GRCh37 (hg19) VCF-style: chr20-32345104-A-G.
Other names: c.622A>G, p.Thr208Ala (NM_001282935.2); c.892A>G, p.Thr298Ala (NM_032819.5); short protein forms T208A, T298A.
Identifiers: ClinVar variation 3650979 (VCV003650979.2).